The following is an entry in ClinVar:

NM_005359.6(SMAD4):c.715C>G (p.Gln239Glu)

Gene: SMAD4 (SMAD family member 4; plus strand). Cytogenetic location: 18q21.2.
Variant type: single nucleotide variant.
Coding change: c.715C>G on transcript NM_005359.6 (MANE Select); coding-DNA position 715, C replaced by G.
Protein change: p.Gln239Glu; replaces glutamine 239 with glutamic acid.
Molecular consequence: missense variant.
Genome position (GRCh38, 1-based): chr18:51,058,172, C>G. VCF-style: chr18-51058172-C-G. GRCh37 (hg19) VCF-style: chr18-48584542-C-G.
Other names: short protein forms Q239E.
Identifiers: ClinVar variation 490154 (VCV000490154.23), dbSNP rs1163381283, ClinGen allele CA402462781.

ClinVar aggregate classification (germline): Uncertain significance. Review status: criteria provided, multiple submitters, no conflicts (2 of 4 stars). 7 submissions from 7 submitters: Uncertain significance (6). 1 of the submissions does not count toward it. Last evaluated 2026-01-24.

Conditions:
SMAD4-related disorder. Also called: SMAD4-related condition; SMAD4-Related disorders.
Hereditary cancer-predisposing syndrome. Also called: Tumor predisposition; Hereditary neoplastic syndrome; Neoplastic Syndromes, Hereditary; Hereditary Cancer Syndrome. Identifiers: Orphanet 140162, MedGen C0027672, MeSH D009386, MONDO:0015356.
Juvenile polyposis/hereditary hemorrhagic telangiectasia syndrome (JPHT). Also called: Juvenile Polyposis Syndrome / Hereditary Hemorrhagic Telangiectasia (JPS/HHT); JP/HHT SYNDROME; JUVENILE POLYPOSIS WITH HEREDITARY HEMORRHAGIC TELANGIECTASIA; POLYPOSIS, GENERALIZED JUVENILE, WITH PULMONARY ARTERIOVENOUS MALFORMATION; TELANGIECTASIA, HEREDITARY HEMORRHAGIC, WITH JUVENILE POLYPOSIS COLI. Identifiers: Orphanet 2929, MedGen C1832942, MONDO:0008278, OMIM 175050.
Familial thoracic aortic aneurysm and aortic dissection (TAAD). Also called: Thoracic aortic aneurysms and dissections. Identifiers: Orphanet 91387, MedGen C4707243, MONDO:0019625.
Myhre syndrome (MYHRS). Also called: LARYNGOTRACHEAL STENOSIS, ARTHROPATHY, PROGNATHISM, AND SHORT STATURE; LAPS SYNDROME. Identifiers: Orphanet 2588, MedGen C0796081, MONDO:0007688, OMIM 139210.
Familial pancreatic carcinoma. Identifiers: Orphanet 1333, MedGen C2931038, MONDO:0015278, OMIM 260350.
Juvenile polyposis syndrome (JPS). Identifiers: Orphanet 2929, MedGen C0345893, MONDO:0017380, OMIM 174900.

Allele frequency attached by ClinVar (database versions not stated): gnomAD exomes below 0.00001 and 0.00001.
gnomAD v4.1: 11 of 1,614,130 alleles (0.00068%); highest among the groups gnomAD compares: Admixed American, 0.0017%; no homozygotes.

Submissions (7):

Labcorp Genetics (formerly Invitae), Labcorp
Classification: Uncertain significance for Juvenile polyposis syndrome. Last evaluated: 2026-01-24. Review status: criteria provided, single submitter. Criteria: Invitae Variant Classification Sherloc (09022015). Collection method: clinical testing. Allele origin: germline.
Comment: This sequence change replaces glutamine, which is neutral and polar, with glutamic acid, which is acidic and polar, at codon 239 of the SMAD4 protein (p.Gln239Glu). This variant is present in population databases (no rsID available, gnomAD 0.003%). This variant has not been reported in the literature in individuals affected with SMAD4-related conditions. ClinVar contains an entry for this variant (Variation ID: 490154). Invitae Evidence Modeling of protein sequence and biophysical properties (such as structural, functional, and spatial information, amino acid conservation, physicochemical variation, residue mobility, and thermodynamic stability) indicates that this missense variant is not expected to disrupt SMAD4 protein function with a negative predictive value of 95%. In summary, the available evidence is currently insufficient to determine the role of this variant in disease. Therefore, it has been classified as a Variant of Uncertain Significance.

GeneDx
Classification: Uncertain significance. Last evaluated: 2024-10-21. Review status: criteria provided, single submitter. Criteria: GeneDx Variant Classification Process June 2021. Collection method: clinical testing. Allele origin: germline.
Comment: Not observed at significant frequency in large population cohorts (gnomAD); In silico analysis indicates that this missense variant does not alter protein structure/function; Has not been previously published as pathogenic or benign to our knowledge; This variant is associated with the following publications: (PMID: 15235019, 18823382, 22992590)

All of Us Research Program, National Institutes of Health
Classification: Uncertain significance for Juvenile polyposis/hereditary hemorrhagic telangiectasia syndrome. Last evaluated: 2024-04-10. Review status: criteria provided, single submitter. Criteria: ACMG Guidelines, 2015. Collection method: clinical testing. Allele origin: germline. Inheritance: Autosomal dominant inheritance. Observed: 1 variant allele, 1 heterozygote.
Comment: This missense variant replaces glutamine with glutamic acid at codon 239 of the SMAD4 protein. Computational prediction suggests that this variant may not impact protein structure and function (internally defined REVEL score threshold <= 0.5, PMID: 27666373). To our knowledge, functional studies have not been reported for this variant. This variant has not been reported in individuals affected with hereditary cancer in the literature. This variant has been identified in 1/251422 chromosomes in the general population by the Genome Aggregation Database (gnomAD). The available evidence is insufficient to determine the role of this variant in disease conclusively. Therefore, this variant is classified as a Variant of Uncertain Significance.

This study involves interpretation of variants in research participants for the purpose of population health screening. Participant phenotype was not available at the time of variant classification. Additional details can be found in publication PMID: 35346344, PMCID: PMC8962531

Color Diagnostics, LLC DBA Color Health
Classification: Uncertain significance for Hereditary cancer-predisposing syndrome. Last evaluated: 2024-03-06. Review status: criteria provided, single submitter. Criteria: ACMG Guidelines, 2015. Collection method: clinical testing. Allele origin: germline.
Comment: This missense variant replaces glutamine with glutamic acid at codon 239 of the SMAD4 protein. Computational prediction suggests that this variant may not impact protein structure and function (internally defined REVEL score threshold <= 0.5, PMID: 27666373). To our knowledge, functional studies have not been reported for this variant. This variant has not been reported in individuals affected with hereditary cancer in the literature. This variant has been identified in 1/251422 chromosomes in the general population by the Genome Aggregation Database (gnomAD). The available evidence is insufficient to determine the role of this variant in disease conclusively. Therefore, this variant is classified as a Variant of Uncertain Significance.

Fulgent Genetics
Classification: Uncertain significance for Myhre syndrome; Juvenile polyposis syndrome; Juvenile polyposis/hereditary hemorrhagic telangiectasia syndrome; Familial pancreatic carcinoma. Last evaluated: 2024-01-02. Review status: criteria provided, single submitter. Criteria: ACMG Guidelines, 2015. Collection method: clinical testing. Allele origin: germline.

Ambry Genetics
Classification: Uncertain significance for Hereditary cancer-predisposing syndrome; Familial thoracic aortic aneurysm and aortic dissection. Last evaluated: 2022-04-19. Review status: criteria provided, single submitter. Criteria: Ambry Variant Classification Scheme 2023. Collection method: clinical testing. Allele origin: germline.
Comment: The p.Q239E variant (also known as c.715C>G), located in coding exon 5 of the SMAD4 gene, results from a C to G substitution at nucleotide position 715. The glutamine at codon 239 is replaced by glutamic acid, an amino acid with highly similar properties. This amino acid position is highly conserved in available vertebrate species. In addition, this alteration is predicted to be tolerated by in silico analysis. Since supporting evidence is limited at this time, the clinical significance of this alteration remains unclear.

PreventionGenetics, part of Exact Sciences
Classification: Uncertain significance for SMAD4-related condition. Last evaluated: 2024-02-21. Review status: no assertion criteria provided. Collection method: clinical testing. Allele origin: germline. Not counted in ClinVar's aggregate classification.
Comment: The SMAD4 c.715C>G variant is predicted to result in the amino acid substitution p.Gln239Glu. To our knowledge, this variant has not been reported in the literature. This variant is reported in 0.0029% of alleles in individuals of Latino descent in gnomAD. At this time, the clinical significance of this variant is uncertain due to the absence of conclusive functional and genetic evidence.